The following is an entry in ClinVar:

ClinVar aggregate classification (germline): Uncertain significance (1 of 4 stars; one submission).

Submission:

Labcorp Genetics (formerly Invitae), Labcorp
Classification: Uncertain significance. Last evaluated: 2022-10-13. Review status: criteria provided, single submitter. Criteria: Invitae Variant Classification Sherloc (09022015). Collection method: clinical testing. Allele origin: germline.
Comment: In summary, the available evidence is currently insufficient to determine the role of this variant in disease. Therefore, it has been classified as a Variant of Uncertain Significance. Algorithms developed to predict the effect of missense changes on protein structure and function are either unavailable or do not agree on the potential impact of this missense change (SIFT: "Deleterious"; PolyPhen-2: "Probably Damaging"; Align-GVGD: "Class C0"). ClinVar contains an entry for this variant (Variation ID: 1503891). This variant has not been reported in the literature in individuals affected with TUBGCP6-related conditions. This variant is not present in population databases (gnomAD no frequency). This sequence change replaces phenylalanine, which is neutral and non-polar, with leucine, which is neutral and non-polar, at codon 1780 of the TUBGCP6 protein (p.Phe1780Leu).

NM_020461.4(TUBGCP6):c.5340C>G (p.Phe1780Leu)

Gene: TUBGCP6 (tubulin gamma complex component 6; minus strand). Cytogenetic location: 22q13.33.
Variant type: single nucleotide variant.
Coding change: c.5340C>G on transcript NM_020461.4 (MANE Select); coding-DNA position 5340, C replaced by G.
Protein change: p.Phe1780Leu; replaces phenylalanine 1780 with leucine.
Molecular consequence: missense variant.
Genome position (GRCh38, 1-based): chr22:50,217,946, G>C on the plus strand (C>G on the coding strand, the complement: TUBGCP6 is on the minus strand). VCF-style: chr22-50217946-G-C. GRCh37 (hg19) VCF-style: chr22-50656375-G-C.
Other names: short protein forms F1780L.
Identifiers: ClinVar variation 1503891 (VCV001503891.8), dbSNP rs746411277, ClinGen allele CA412162151.